The following is an entry in ClinVar:

NM_177438.3(DICER1):c.766G>T (p.Asp256Tyr)

Gene: DICER1 (dicer 1, ribonuclease III; minus strand). Cytogenetic location: 14q32.13.
Variant type: single nucleotide variant.
Coding change: c.766G>T on transcript NM_177438.3 (MANE Select); coding-DNA position 766, G replaced by T.
Protein change: p.Asp256Tyr; replaces aspartic acid 256 with tyrosine.
Molecular consequence: missense variant. On other transcripts: 5 prime UTR variant (1), non-coding transcript variant (6).
Genome position (GRCh38, 1-based): chr14:95,126,717, C>A on the plus strand (G>T on the coding strand, the complement: DICER1 is on the minus strand). VCF-style: chr14-95126717-C-A. GRCh37 (hg19) VCF-style: chr14-95593054-C-A.
Other names: c.766G>T, p.Asp256Tyr (NM_001195573.1, NM_001271282.3, NM_001291628.2 and 14 more transcripts); c.484G>T, p.Asp162Tyr (NM_001395686.1); c.361G>T, p.Asp121Tyr (NM_001395687.1, NM_001395688.1, NM_001395689.1 and 3 more transcripts); c.199G>T, p.Asp67Tyr (NM_001395691.1); c.-803G>T (NM_001395697.1); short protein forms D67Y, D256Y, D162Y, D121Y.
Identifiers: ClinVar variation 4637054 (VCV004637054.1).

ClinVar aggregate classification (germline): Uncertain significance (1 of 4 stars; one submission).

Conditions:
Hereditary cancer-predisposing syndrome. Also called: Neoplastic Syndromes, Hereditary; Tumor predisposition; Hereditary Cancer Syndrome; Hereditary neoplastic syndrome. Identifiers: Orphanet 140162, MedGen C0027672, MeSH D009386, MONDO:0015356.

Submission:

Ambry Genetics
Classification: Uncertain significance for Hereditary cancer-predisposing syndrome. Last evaluated: 2025-10-07. Review status: criteria provided, single submitter. Criteria: Ambry Variant Classification Scheme 2023. Collection method: clinical testing. Allele origin: germline.
Comment: The p.D256Y variant (also known as c.766G>T), located in coding exon 6 of the DICER1 gene, results from a G to T substitution at nucleotide position 766. The aspartic acid at codon 256 is replaced by tyrosine, an amino acid with highly dissimilar properties. This amino acid position is conserved. In addition, this alteration is predicted to be deleterious by in silico analysis. Based on the available evidence, the clinical significance of this variant remains unclear.